The following is an entry in ClinVar:

NM_032638.5(GATA2):c.1200G>A (p.Met400Ile)

Gene: GATA2 (GATA binding protein 2; minus strand). Cytogenetic location: 3q21.3.
Variant type: single nucleotide variant.
Coding change: c.1200G>A on transcript NM_032638.5 (MANE Select); coding-DNA position 1200, G replaced by A.
Protein change: p.Met400Ile; replaces methionine 400 with isoleucine.
Molecular consequence: missense variant.
Genome position (GRCh38, 1-based): chr3:128,481,262, C>T on the plus strand (G>A on the coding strand, the complement: GATA2 is on the minus strand). VCF-style: chr3-128481262-C-T. GRCh37 (hg19) VCF-style: chr3-128200105-C-T.
Other names: c.1200G>A, p.Met400Ile (NM_001145661.2); c.1158G>A, p.Met386Ile (NM_001145662.1); short protein forms M400I, M386I.
Identifiers: ClinVar variation 404073 (VCV000404073.10), dbSNP rs1060500086, ClinGen allele CA16611352.

ClinVar aggregate classification (germline): Uncertain significance. Review status: criteria provided, multiple submitters, no conflicts (2 of 4 stars). 3 submissions from 3 submitters: Uncertain significance (3). Last evaluated 2026-09-09.

Conditions:
Inborn genetic diseases. Identifiers: MedGen C0950123, MeSH D030342.
Deafness-lymphedema-leukemia syndrome. Also called: Lymphedema, primary, with myelodysplasia; Emberger syndrome. Identifiers: Orphanet 3226, MedGen C3279664, MONDO:0013540, OMIM 614038.
Monocytopenia with susceptibility to infections. Also called: IMMUNODEFICIENCY 21; MONOCYTOPENIA AND MYCOBACTERIAL INFECTION SYNDROME; MONOCYTOPENIA WITH SUSCEPTIBILITY TO MYCOBACTERIAL, FUNGAL, AND PAPILLOMAVIRUS INFECTIONS AND MYELODYSPLASIA; COMBINED IMMUNODEFICIENCY WITH SUSCEPTIBILITY TO MYCOBACTERIAL, VIRAL, AND FUNGAL INFECTIONS; Dendritic cell, monocyte, B lymphocyte, and natural killer lymphocyte deficiency; GATA2 DEFICIENCY. Identifiers: Orphanet 228423, MedGen C3280030, MONDO:0013607, OMIM 614172.

Allele frequency attached by ClinVar (database versions not stated): gnomAD exomes below 0.00001.
gnomAD v4.1: 1 of 1,614,224 alleles (0.000062%); highest among the groups gnomAD compares: Non-Finnish European, 0.000085%; no homozygotes.

Submissions (3):

Ambry Genetics
Classification: Uncertain significance for Inborn genetic diseases. Last evaluated: 2026-09-09. Review status: criteria provided, single submitter. Criteria: Ambry Variant Classification Scheme 2023. Collection method: clinical testing. Allele origin: germline.
Comment: The p.M400I variant (also known as c.1200G>A), located in coding exon 5 of the GATA2 gene, results from a G to A substitution at nucleotide position 1200. The methionine at codon 400 is replaced by isoleucine, an amino acid with highly similar properties. This amino acid position is highly conserved in available vertebrate species. In addition, this alteration is predicted to be deleterious by in silico analysis. Based on the available evidence, the clinical significance of this variant remains unclear.

Labcorp Genetics (formerly Invitae), Labcorp
Classification: Uncertain significance for Monocytopenia with susceptibility to infections; Deafness-lymphedema-leukemia syndrome. Last evaluated: 2025-05-27. Review status: criteria provided, single submitter. Criteria: Invitae Variant Classification Sherloc (09022015). Collection method: clinical testing. Allele origin: germline.
Comment: This sequence change replaces methionine, which is neutral and non-polar, with isoleucine, which is neutral and non-polar, at codon 400 of the GATA2 protein (p.Met400Ile). This variant is not present in population databases (gnomAD no frequency). This variant has not been reported in the literature in individuals affected with GATA2-related conditions. ClinVar contains an entry for this variant (Variation ID: 404073). Invitae Evidence Modeling of protein sequence and biophysical properties (such as structural, functional, and spatial information, amino acid conservation, physicochemical variation, residue mobility, and thermodynamic stability) has been performed for this missense variant. However, the output from this modeling did not meet the statistical confidence thresholds required to predict the impact of this variant on GATA2 protein function. In summary, the available evidence is currently insufficient to determine the role of this variant in disease. Therefore, it has been classified as a Variant of Uncertain Significance.

Blueprint Genetics
Classification: Uncertain significance. Last evaluated: 2018-01-09. Review status: criteria provided, single submitter. Criteria: ACMG Guidelines, 2015. Collection method: clinical testing. Allele origin: germline.